The following is an entry in ClinVar:

ClinVar aggregate classification (germline): Pathogenic (1 of 4 stars; one submission).

Conditions:
Neurofibromatosis, type 1 (NF1). Also called: NEUROFIBROMATOSIS, TYPE I, SOMATIC; Neurofibromatosis, type I; Peripheral type neurofibromatosis; VON RECKLINGHAUSEN DISEASE. Identifiers: Orphanet 636, MedGen C0027831, MONDO:0018975, OMIM 162200. Disease mechanism: loss of function.

Submission:

Labcorp Genetics (formerly Invitae), Labcorp
Classification: Pathogenic for Neurofibromatosis, type 1. Last evaluated: 2022-08-05. Review status: criteria provided, single submitter. Criteria: Invitae Variant Classification Sherloc (09022015). Collection method: clinical testing. Allele origin: germline.
Comment: For these reasons, this variant has been classified as Pathogenic. This variant has not been reported in the literature in individuals affected with NF1-related conditions. This variant is not present in population databases (gnomAD no frequency). This sequence change creates a premature translational stop signal (p.Lys2039Aspfs*17) in the NF1 gene. It is expected to result in an absent or disrupted protein product. Loss-of-function variants in NF1 are known to be pathogenic (PMID: 10712197, 23913538).

Literature cited by the submitters: PubMed 10712197; PubMed 23913538.

NM_001042492.3(NF1):c.6178_6179del (p.Lys2060fs)

Gene: NF1 (neurofibromin 1; plus strand). Cytogenetic location: 17q11.2.
Variant type: Deletion.
Coding change: c.6178_6179del on transcript NM_001042492.3 (MANE Select); coding-DNA positions 6178 to 6179, 2 bases deleted (AA; older notation c.6178_6179delAA).
Protein change: p.Lys2060fs; shifts the reading frame from lysine 2060.
Molecular consequence: frameshift variant.
Genome position (GRCh38, 1-based): chr17:31,336,665-31,336,666, AA deleted. VCF-style (leftmost placement, unchanged base first): chr17-31336664-CAA-C. GRCh37 (hg19) VCF-style: chr17-29663682-CAA-C.
Other names: c.6115_6116delAA, p.Lys2039Aspfs (NM_000267.4); short protein forms K2039fs, K2060fs.
Identifiers: ClinVar variation 2021904 (VCV002021904.4), dbSNP rs2508748012, ClinGen allele CA2580093228.